The following is an entry in ClinVar:

NM_004329.3(BMPR1A):c.1307T>C (p.Ile436Thr)

Gene: BMPR1A (bone morphogenetic protein receptor type 1A; plus strand). Cytogenetic location: 10q23.2.
Variant type: single nucleotide variant.
Coding change: c.1307T>C on transcript NM_004329.3 (MANE Select); coding-DNA position 1307, T replaced by C.
Protein change: p.Ile436Thr; replaces isoleucine 436 with threonine.
Molecular consequence: missense variant. On other transcripts: non-coding transcript variant (3).
Genome position (GRCh38, 1-based): chr10:86,921,660, T>C. VCF-style: chr10-86921660-T-C. GRCh37 (hg19) VCF-style: chr10-88681417-T-C.
Other names: c.1382T>C, p.Ile461Thr (NM_001406559.1); c.1355T>C, p.Ile452Thr (NM_001406560.1); c.1307T>C, p.Ile436Thr (NM_001406561.1, NM_001406562.1, NM_001406563.1 and 19 more transcripts); c.1301T>C, p.Ile434Thr (NM_001406583.1); c.1223T>C, p.Ile408Thr (NM_001406584.1, NM_001406585.1, NM_001406586.1 and 2 more transcripts); c.965T>C, p.Ile322Thr (NM_001406589.1); short protein forms I322T, I408T, I461T, I436T, I434T, I452T.
Identifiers: ClinVar variation 2849065 (VCV002849065.3), dbSNP rs2539638113, ClinGen allele CA377462343.
Genomic context (GRCh38, chr10:86,921,660, plus strand): 5'-GCCTGAACAAAAACCACTTCCAGCCCTACATCATGGCTGACATCTACAGCTTCGGCCTAA[T>C]CATTTGGGAGATGGCTCGTCGTTGTATCACAGGAGGTGGGAGTTTGAGTAGTTTCTGATT-3'
Protein context (NP_004320.2, residues 426-446): IMADIYSFGL[Ile436Thr]IWEMARRCIT

ClinVar aggregate classification (germline): Uncertain significance (1 of 4 stars; one submission).

Conditions:
Juvenile polyposis syndrome (JPS). Identifiers: Orphanet 2929, MedGen C0345893, MONDO:0017380, OMIM 174900.

Submission:

Labcorp Genetics (formerly Invitae), Labcorp
Classification: Uncertain significance for Juvenile polyposis syndrome. Last evaluated: 2023-03-24. Review status: criteria provided, single submitter. Criteria: Invitae Variant Classification Sherloc (09022015). Collection method: clinical testing. Allele origin: germline.
Comment: This variant has not been reported in the literature in individuals affected with BMPR1A-related conditions. This variant is not present in population databases (gnomAD no frequency). This sequence change replaces isoleucine, which is neutral and non-polar, with threonine, which is neutral and polar, at codon 436 of the BMPR1A protein (p.Ile436Thr). In summary, the available evidence is currently insufficient to determine the role of this variant in disease. Therefore, it has been classified as a Variant of Uncertain Significance. Advanced modeling of protein sequence and biophysical properties (such as structural, functional, and spatial information, amino acid conservation, physicochemical variation, residue mobility, and thermodynamic stability) performed at Invitae indicates that this missense variant is not expected to disrupt BMPR1A protein function.